The following is an entry in ClinVar:

ClinVar aggregate classification (germline): Uncertain significance (1 of 4 stars; one submission).

Allele frequency attached by ClinVar (database versions not stated): gnomAD exomes below 0.00001 and 0.00001; TOPMed below 0.00001.
gnomAD v4.1: 1 of 1,614,022 alleles (0.000062%); highest among the groups gnomAD compares: Admixed American, 0.0017%; no homozygotes.

Submission:

Labcorp Genetics (formerly Invitae), Labcorp
Classification: Uncertain significance. Last evaluated: 2023-11-13. Review status: criteria provided, single submitter. Criteria: Invitae Variant Classification Sherloc (09022015). Collection method: clinical testing. Allele origin: germline.
Comment: This sequence change replaces serine, which is neutral and polar, with arginine, which is basic and polar, at codon 99 of the GNAT2 protein (p.Ser99Arg). This variant is present in population databases (no rsID available, gnomAD 0.006%). This variant has not been reported in the literature in individuals affected with GNAT2-related conditions. ClinVar contains an entry for this variant (Variation ID: 1346920). Advanced modeling of protein sequence and biophysical properties (such as structural, functional, and spatial information, amino acid conservation, physicochemical variation, residue mobility, and thermodynamic stability) performed at Invitae indicates that this missense variant is not expected to disrupt GNAT2 protein function with a negative predictive value of 80%. In summary, the available evidence is currently insufficient to determine the role of this variant in disease. Therefore, it has been classified as a Variant of Uncertain Significance.

NM_001377295.2(GNAT2):c.297C>A (p.Ser99Arg)

Gene: GNAT2 (G protein subunit alpha transducin 2; minus strand). Cytogenetic location: 1p13.3.
Variant type: single nucleotide variant.
Coding change: c.297C>A on transcript NM_001377295.2 (MANE Select); coding-DNA position 297, C replaced by A.
Protein change: p.Ser99Arg; replaces serine 99 with arginine.
Molecular consequence: missense variant.
Genome position (GRCh38, 1-based): chr1:109,610,046, G>T on the plus strand (C>A on the coding strand, the complement: GNAT2 is on the minus strand). VCF-style: chr1-109610046-G-T. GRCh37 (hg19) VCF-style: chr1-110152668-G-T.
Other names: c.297C>A, p.Ser99Arg (NM_001379232.1, NM_005272.5); short protein forms S99R.
Identifiers: ClinVar variation 1346920 (VCV001346920.4), dbSNP rs1279813193, ClinGen allele CA341541944.